The following is an entry in ClinVar:

ClinVar aggregate classification (germline): Uncertain significance. Review status: criteria provided, multiple submitters, no conflicts (2 of 4 stars). 2 submissions from 2 submitters: Uncertain significance (2). Last evaluated 2025-09-20.

Conditions:
Inborn genetic diseases. Identifiers: MedGen C0950123, MeSH D030342.

Allele frequency attached by ClinVar (database versions not stated): TOPMed 0.00019; gnomAD 0.00016; ExAC 0.00021; ESP Exome Variant Server 0.00008.
gnomAD v4.1: 316 of 1,613,892 alleles (0.02%); highest among the groups gnomAD compares: African/African-American, 0.024%; no homozygotes.

Submissions (2):

Labcorp Genetics (formerly Invitae), Labcorp
Classification: Uncertain significance. Last evaluated: 2025-09-20. Review status: criteria provided, single submitter. Criteria: Invitae Variant Classification Sherloc (09022015). Collection method: clinical testing. Allele origin: germline.
Comment: This sequence change replaces arginine, which is basic and polar, with histidine, which is basic and polar, at codon 386 of the KRT6B protein (p.Arg386His). This variant is present in population databases (rs368362440, gnomAD 0.04%), and has an allele count higher than expected for a pathogenic variant. This variant has not been reported in the literature in individuals affected with KRT6B-related conditions. ClinVar contains an entry for this variant (Variation ID: 2738394). Invitae Evidence Modeling of protein sequence and biophysical properties (such as structural, functional, and spatial information, amino acid conservation, physicochemical variation, residue mobility, and thermodynamic stability) indicates that this missense variant is not expected to disrupt KRT6B protein function with a negative predictive value of 80%. In summary, the available evidence is currently insufficient to determine the role of this variant in disease. Therefore, it has been classified as a Variant of Uncertain Significance.

Ambry Genetics
Classification: Uncertain significance for Inborn genetic diseases. Last evaluated: 2025-04-11. Review status: criteria provided, single submitter. Criteria: Ambry Variant Classification Scheme 2023. Collection method: clinical testing. Allele origin: germline.

NM_005555.4(KRT6B):c.1157G>A (p.Arg386His)

Gene: KRT6B (keratin 6B; minus strand). Cytogenetic location: 12q13.13.
Variant type: single nucleotide variant.
Coding change: c.1157G>A on transcript NM_005555.4 (MANE Select); coding-DNA position 1157, G replaced by A.
Protein change: p.Arg386His; replaces arginine 386 with histidine.
Molecular consequence: missense variant.
Genome position (GRCh38, 1-based): chr12:52,448,888, C>T on the plus strand (G>A on the coding strand, the complement: KRT6B is on the minus strand). VCF-style: chr12-52448888-C-T. GRCh37 (hg19) VCF-style: chr12-52842672-C-T.
Other names: c.1157G>A (NM_005555.3); short protein forms R386H.
Identifiers: ClinVar variation 2738394 (VCV002738394.4), dbSNP rs368362440, ClinGen allele CA6580512.